The following is an entry in ClinVar:

ClinVar aggregate classification (germline): Uncertain significance (1 of 4 stars; one submission).

Conditions:
GRIN2A-related complex neurodevelopmental disorder. Also called: GRIN2A-related condition; GRIN2A-related disorder. Identifiers: MedGen CN379781, MONDO:1060139.

Submission:

PreventionGenetics, part of Exact Sciences
Classification: Uncertain significance for GRIN2A-related condition. Last evaluated: 2025-01-07. Review status: criteria provided, single submitter. Criteria: ACMG Guidelines, 2015. Collection method: clinical testing. Allele origin: germline.
Comment: The GRIN2A c.1983A>C variant is predicted to result in the amino acid substitution p.Gln661His. To our knowledge, this variant has not been reported in the literature or in a large population database (gnomAD), indicating this variant is rare. At this time, the clinical significance of this variant is uncertain due to the absence of conclusive functional and genetic evidence.

NM_001134407.3(GRIN2A):c.1983A>C (p.Gln661His)

Gene: GRIN2A (glutamate ionotropic receptor NMDA type subunit 2A; minus strand). Cytogenetic location: 16p13.2.
Variant type: single nucleotide variant.
Coding change: c.1983A>C on transcript NM_001134407.3 (MANE Select); coding-DNA position 1983, A replaced by C.
Protein change: p.Gln661His; replaces glutamine 661 with histidine.
Molecular consequence: missense variant.
Genome position (GRCh38, 1-based): chr16:9,829,447, T>G on the plus strand (A>C on the coding strand, the complement: GRIN2A is on the minus strand). VCF-style: chr16-9829447-T-G. GRCh37 (hg19) VCF-style: chr16-9923304-T-G.
Other names: c.1983A>C, p.Gln661His (NM_000833.5, NM_001134408.2); short protein forms Q661H.
Identifiers: ClinVar variation 4998536 (VCV004998536.1).